The following is an entry in ClinVar:

NM_002299.4(LCT):c.1318G>A (p.Val440Ile)

Genes: LCT (lactase; minus strand), LOC126806353 (BRD4-independent group 4 enhancer GRCh37_chr2:136574960-136576159; plus strand). Cytogenetic location: 2q21.3.
Variant type: single nucleotide variant.
Coding change: c.1318G>A on transcript NM_002299.4 (MANE Select); coding-DNA position 1318, G replaced by A.
Protein change: p.Val440Ile; replaces valine 440 with isoleucine.
Molecular consequence: missense variant.
Genome position (GRCh38, 1-based): chr2:135,817,730, C>T on the plus strand (G>A on the coding strand, the complement: LCT is on the minus strand). VCF-style: chr2-135817730-C-T. GRCh37 (hg19) VCF-style: chr2-136575300-C-T.
Other names: p.Val440Ile; short protein forms V440I.
Identifiers: ClinVar variation 708529 (VCV000708529.16), dbSNP rs35940156, ClinGen allele CA1888407.

ClinVar aggregate classification (germline): Benign. Review status: criteria provided, multiple submitters, no conflicts (2 of 4 stars). 4 submissions from 4 submitters: Benign (4). Last evaluated 2026-01-31.

Conditions:
Congenital lactase deficiency. Also called: ALACTASIA, CONGENITAL; DISACCHARIDE INTOLERANCE II. Identifiers: Orphanet 53690, MedGen C0268179, MONDO:0009115, OMIM 223000.

Allele frequency attached by ClinVar (database versions not stated): gnomAD 0.00742 and 0.00802; ESP Exome Variant Server 0.00777; 1000 Genomes Project 0.00779; TOPMed 0.00807; 1000 Genomes Project 30x 0.00812; gnomAD exomes 0.00070 and 0.00183; ExAC 0.00226.
gnomAD v4.1: 2,213 of 1,614,030 alleles (0.14%); highest among the groups gnomAD compares: African/African-American, 2.6%; 27 homozygotes.

Submissions (4):

Labcorp Genetics (formerly Invitae), Labcorp
Classification: Benign. Last evaluated: 2026-01-31. Review status: criteria provided, single submitter. Criteria: Invitae Variant Classification Sherloc (09022015). Collection method: clinical testing. Allele origin: germline.

Mayo Clinic Laboratories, Mayo Clinic
Classification: Benign. Last evaluated: 2025-09-04. Review status: criteria provided, single submitter. Criteria: ACMG Guidelines, 2015. Collection method: clinical testing. Allele origin: germline. Observed: 1 variant allele.
Comment: BS1, BS2, BP4_moderate

Illumina Laboratory Services, Illumina
Classification: Benign for Congenital lactase deficiency. Last evaluated: 2017-04-27. Review status: criteria provided, single submitter. Criteria: ICSL Variant Classification Criteria 13 December 2019. Collection method: clinical testing. Allele origin: germline.
Comment: This variant was observed as part of a predisposition screen in an ostensibly healthy population. A literature search was performed for the gene, cDNA change, and amino acid change (where applicable). Publications were found based on this search. The evidence from the literature, in combination with allele frequency data from public databases where available, was sufficient to rule this variant out of causing disease. Therefore, this variant is classified as benign.

Breakthrough Genomics
Classification: Benign. Review status: criteria provided, single submitter. Criteria: ACMG Guidelines, 2015. Collection method: not provided. Allele origin: germline. Inheritance: Autosomal recessive inheritance. Affected: yes.

Literature cited by the submitters: PubMed 23103231 (cited by Illumina Laboratory Services, Illumina).